The following is an entry in ClinVar:

NM_000136.3(FANCC):c.146A>C (p.Tyr49Ser)

Gene: FANCC (FA complementation group C; minus strand). Cytogenetic location: 9q22.32.
Variant type: single nucleotide variant.
Coding change: c.146A>C on transcript NM_000136.3 (MANE Select); coding-DNA position 146, A replaced by C.
Protein change: p.Tyr49Ser; replaces tyrosine 49 with serine.
Molecular consequence: missense variant.
Genome position (GRCh38, 1-based): chr9:95,249,146, T>G on the plus strand (A>C on the coding strand, the complement: FANCC is on the minus strand). VCF-style: chr9-95249146-T-G. GRCh37 (hg19) VCF-style: chr9-98011428-T-G.
Other names: c.146A>C, p.Tyr49Ser (NM_001243743.2, NM_001243744.2); short protein forms Y49S.
Identifiers: ClinVar variation 3230364 (VCV003230364.1), dbSNP rs761845692, ClinGen allele CA374340229.

ClinVar aggregate classification (germline): Uncertain significance (1 of 4 stars; one submission).

Conditions:
Hereditary cancer-predisposing syndrome. Also called: Neoplastic Syndromes, Hereditary; Tumor predisposition; Hereditary neoplastic syndrome; Hereditary Cancer Syndrome. Identifiers: Orphanet 140162, MedGen C0027672, MeSH D009386, MONDO:0015356.

Submission:

Ambry Genetics
Classification: Uncertain significance for Hereditary cancer-predisposing syndrome. Last evaluated: 2023-11-15. Review status: criteria provided, single submitter. Criteria: Ambry Variant Classification Scheme 2023. Collection method: clinical testing. Allele origin: germline.
Comment: The p.Y49S variant (also known as c.146A>C), located in coding exon 1 of the FANCC gene, results from an A to C substitution at nucleotide position 146. The tyrosine at codon 49 is replaced by serine, an amino acid with dissimilar properties. This amino acid position is conserved. In addition, the in silico prediction for this alteration is inconclusive. Since supporting evidence is limited at this time, the clinical significance of this alteration remains unclear.